The following is an entry in ClinVar:

NM_003072.5(SMARCA4):c.3618C>T (p.Thr1206=)

Gene: SMARCA4 (SWI/SNF related BAF chromatin remodeling complex subunit ATPase 4; plus strand). Cytogenetic location: 19p13.2.
Variant type: single nucleotide variant.
Coding change: c.3618C>T on transcript NM_003072.5 (MANE Select); coding-DNA position 3618, C replaced by T.
Protein change: p.Thr1206=; no amino-acid change (threonine 1206 retained).
Molecular consequence: synonymous variant. On other transcripts: non-coding transcript variant (1).
Genome position (GRCh38, 1-based): chr19:11,033,361, C>T. VCF-style: chr19-11033361-C-T. GRCh37 (hg19) VCF-style: chr19-11144037-C-T.
Other names: c.3618C>T, p.Thr1206= (NM_001128844.3, NM_001128845.2, NM_001128846.2 and 5 more transcripts).
Identifiers: ClinVar variation 415156 (VCV000415156.17), dbSNP rs780618654, ClinGen allele CA9204478.

ClinVar aggregate classification (germline): Benign/Likely benign. Review status: criteria provided, multiple submitters, no conflicts (2 of 4 stars). 3 submissions from 3 submitters: Benign (1); Likely benign (2). Last evaluated 2026-07-15.

Conditions:
Hereditary cancer-predisposing syndrome. Also called: Hereditary Cancer Syndrome; Hereditary neoplastic syndrome; Neoplastic Syndromes, Hereditary; Tumor predisposition. Identifiers: Orphanet 140162, MedGen C0027672, MeSH D009386, MONDO:0015356.
Rhabdoid tumor predisposition syndrome 2 (RTPS2). Identifiers: Orphanet 231108, Orphanet 69077, MedGen C2750074, MONDO:0013224, OMIM 613325.

Allele frequency attached by ClinVar (database versions not stated): ExAC 0.00003; gnomAD 0.00001; TOPMed 0.00001; gnomAD exomes 0.00002 and 0.00001.
gnomAD v4.1: 16 of 1,613,184 alleles (0.00099%); highest among the groups gnomAD compares: South Asian, 0.0055%; no homozygotes.

Submissions (3):

Myriad Genetics, Inc.
Classification: Benign for Rhabdoid tumor predisposition syndrome 2. Last evaluated: 2026-07-15. Review status: criteria provided, single submitter. Criteria: Myriad Autosomal Dominant, Autosomal Recessive and X-Linked Classification Criteria (2023). Collection method: clinical testing. Allele origin: unknown.
Comment: This variant is considered benign. This variant is a silent/synonymous amino acid change and it is not expected to impact splicing.

Labcorp Genetics (formerly Invitae), Labcorp
Classification: Likely benign for Rhabdoid tumor predisposition syndrome 2. Last evaluated: 2026-01-26. Review status: criteria provided, single submitter. Criteria: Invitae Variant Classification Sherloc (09022015). Collection method: clinical testing. Allele origin: germline.

Ambry Genetics
Classification: Likely benign for Hereditary cancer-predisposing syndrome. Last evaluated: 2015-08-25. Review status: criteria provided, single submitter. Criteria: Ambry Variant Classification Scheme 2023. Collection method: clinical testing. Allele origin: germline.